The following is an entry in ClinVar:

NM_000273.3(GPR143):c.80G>C (p.Arg27Pro)

Gene: GPR143 (G protein-coupled receptor 143; minus strand). Cytogenetic location: Xp22.2.
Variant type: single nucleotide variant.
Coding change: c.80G>C on transcript NM_000273.3 (MANE Select); coding-DNA position 80, G replaced by C.
Protein change: p.Arg27Pro; replaces arginine 27 with proline.
Molecular consequence: missense variant.
Genome position (GRCh38, 1-based): chrX:9,765,738, C>G on the plus strand (G>C on the coding strand, the complement: GPR143 is on the minus strand). VCF-style: chrX-9765738-C-G. GRCh37 (hg19) VCF-style: chrX-9733778-C-G.
Other names: short protein forms R27P.
Identifiers: ClinVar variation 2113240 (VCV002113240.4), dbSNP rs2518642357, ClinGen allele CA412000825.
Genomic context (GRCh38, chrX:9,765,738, plus strand): 5'-TGCAGAAGGCCCAGCGCCAAGCGGAGCCCGCCGCTGCCCAGGCAGAGCGCGTGGAAGGCC[C>G]GCGGCTGGAAGCTCAGCACGAGCTGCGTGGCTGCGTCCCGCGTGGGGCAGCAGAAGGTCC-3'
Protein context (NP_000264.2, residues 17-37): ATQLVLSFQP[Arg27Pro]AFHALCLGSG

ClinVar aggregate classification (germline): Uncertain significance (1 of 4 stars; one submission).

Submission:

Labcorp Genetics (formerly Invitae), Labcorp
Classification: Uncertain significance. Last evaluated: 2022-06-09. Review status: criteria provided, single submitter. Criteria: Invitae Variant Classification Sherloc (09022015). Collection method: clinical testing. Allele origin: germline.
Comment: In summary, the available evidence is currently insufficient to determine the role of this variant in disease. Therefore, it has been classified as a Variant of Uncertain Significance. Algorithms developed to predict the effect of missense changes on protein structure and function are either unavailable or do not agree on the potential impact of this missense change (SIFT: "Tolerated"; PolyPhen-2: "Possibly Damaging"; Align-GVGD: "Class C0"). This variant has not been reported in the literature in individuals affected with GPR143-related conditions. This variant is not present in population databases (gnomAD no frequency). This sequence change replaces arginine, which is basic and polar, with proline, which is neutral and non-polar, at codon 27 of the GPR143 protein (p.Arg27Pro).